The following is an entry in ClinVar:

NM_003835.4(RGS9):c.1546C>T (p.Arg516Ter)

Gene: RGS9 (regulator of G protein signaling 9; plus strand). Cytogenetic location: 17q24.1.
Variant type: single nucleotide variant.
Coding change: c.1546C>T on transcript NM_003835.4 (MANE Select); coding-DNA position 1546, C replaced by T.
Protein change: p.Arg516Ter; replaces arginine 516 with a stop codon.
Molecular consequence: nonsense.
Genome position (GRCh38, 1-based): chr17:65,225,140, C>T. VCF-style: chr17-65225140-C-T. GRCh37 (hg19) VCF-style: chr17-63221258-C-T.
Other names: c.1537C>T, p.Arg513Ter (NM_001081955.3); short protein forms R513*, R516*.
Identifiers: ClinVar variation 1021744 (VCV001021744.6), dbSNP rs200896958, ClinGen allele CA400673491.

ClinVar aggregate classification (germline): Pathogenic/Likely pathogenic. Review status: criteria provided, multiple submitters, no conflicts (2 of 4 stars). 2 submissions from 2 submitters: Pathogenic (1); Likely pathogenic (1). Last evaluated 2024-10-29.

Conditions:
RGS9-related disorder. Also called: RGS9-related condition.

Allele frequency attached by ClinVar (database versions not stated): TOPMed 0.00001.
gnomAD v4.1: 18 of 1,613,724 alleles (0.0011%); highest among the groups gnomAD compares: East Asian, 0.022%; no homozygotes.

Submissions (2):

Labcorp Genetics (formerly Invitae), Labcorp
Classification: Pathogenic. Last evaluated: 2024-10-29. Review status: criteria provided, single submitter. Criteria: Invitae Variant Classification Sherloc (09022015). Collection method: clinical testing. Allele origin: germline.
Comment: This sequence change creates a premature translational stop signal (p.Arg516*) in the RGS9 gene. It is expected to result in an absent or disrupted protein product. Loss-of-function variants in RGS9 are known to be pathogenic (PMID: 11262419, 14702087). This variant is present in population databases (no rsID available, gnomAD 0.006%). This variant has not been reported in the literature in individuals affected with RGS9-related conditions. ClinVar contains an entry for this variant (Variation ID: 1021744). For these reasons, this variant has been classified as Pathogenic.

Blueprint Genetics
Classification: Likely pathogenic for RGS9-related disorders. Last evaluated: 2021-08-04. Review status: criteria provided, single submitter. Criteria: ACMG Guidelines, 2015. Collection method: clinical testing. Allele origin: germline. Affected: yes. Observed: 1 variant allele.

Literature cited by the submitters: PubMed 11262419 (cited by Labcorp Genetics (formerly Invitae), Labcorp); PubMed 14702087 (cited by Labcorp Genetics (formerly Invitae), Labcorp).